The following is an entry in ClinVar:

NM_003872.3(NRP2):c.1633C>G (p.Gln545Glu)

Gene: NRP2 (neuropilin 2; plus strand). Cytogenetic location: 2q33.3.
Variant type: single nucleotide variant.
Coding change: c.1633C>G on transcript NM_003872.3 (MANE Select); coding-DNA position 1633, C replaced by G.
Protein change: p.Gln545Glu; replaces glutamine 545 with glutamic acid.
Molecular consequence: missense variant.
Genome position (GRCh38, 1-based): chr2:205,743,544, C>G. VCF-style: chr2-205743544-C-G. GRCh37 (hg19) VCF-style: chr2-206608268-C-G.
Other names: c.1633C>G, p.Gln545Glu (NM_018534.4, NM_201264.2, NM_201266.2 and 2 more transcripts); short protein forms Q545E.
Identifiers: ClinVar variation 4986150 (VCV004986150.1).

ClinVar aggregate classification (germline): Uncertain significance (1 of 4 stars; one submission).

Conditions:
NRP2-related disorder. Also called: NRP2-related condition.

gnomAD v4.1: 3 of 1,614,198 alleles (0.00019%); highest among the groups gnomAD compares: Non-Finnish European, 0.000085%; no homozygotes.

Submission:

PreventionGenetics, part of Exact Sciences
Classification: Uncertain significance for NRP2-related condition. Last evaluated: 2025-11-26. Review status: criteria provided, single submitter. Criteria: ACMG Guidelines, 2015. Collection method: clinical testing. Allele origin: germline.
Comment: The NRP2 c.1633C>G variant is predicted to result in the amino acid substitution p.Gln545Glu. To our knowledge, this variant has not been reported in the literature or in a large population database (gnomAD), indicating this variant is rare. At this time, the clinical significance of this variant is uncertain due to the absence of conclusive functional and genetic evidence.